The following is an entry in ClinVar:

NM_172351.3(CD46):c.97+4G>A

Genes: CD46 (CD46 molecule; plus strand), LOC129932405 (ATAC-STARR-seq lymphoblastoid active region 2449; plus strand). Cytogenetic location: 1q32.2.
Variant type: single nucleotide variant.
Coding change: c.97+4G>A on transcript NM_172351.3 (MANE Select); 4 bases into the intron after coding-DNA position 97, G replaced by A.
Molecular consequence: intron variant.
Genome position (GRCh38, 1-based): chr1:207,752,313, G>A. VCF-style: chr1-207752313-G-A. GRCh37 (hg19) VCF-style: chr1-207925658-G-A.
Other names: c.97+4G>A (NM_002389.4, NM_172359.3, NM_153826.4 and 8 more transcripts).
Identifiers: ClinVar variation 4772154 (VCV004772154.1).

ClinVar aggregate classification (germline): Uncertain significance (1 of 4 stars; one submission).

Submission:

Labcorp Genetics (formerly Invitae), Labcorp
Classification: Uncertain significance. Last evaluated: 2025-04-19. Review status: criteria provided, single submitter. Criteria: Invitae Variant Classification Sherloc (09022015). Collection method: clinical testing. Allele origin: germline.
Comment: This sequence change falls in intron 1 of the CD46 gene. It does not directly change the encoded amino acid sequence of the CD46 protein. It affects a nucleotide within the consensus splice site. This variant is not present in population databases (gnomAD no frequency). This variant has not been reported in the literature in individuals affected with CD46-related conditions. Variants that disrupt the consensus splice site are a relatively common cause of aberrant splicing (PMID: 17576681, 9536098). Algorithms developed to predict the effect of sequence changes on RNA splicing suggest that this variant is not likely to affect RNA splicing. In summary, the available evidence is currently insufficient to determine the role of this variant in disease. Therefore, it has been classified as a Variant of Uncertain Significance.

Literature cited by the submitters: PubMed 17576681; PubMed 9536098.